The following is an entry in ClinVar:

ClinVar aggregate classification (germline): Conflicting classifications of pathogenicity. Review status: criteria provided, conflicting classifications (1 of 4 stars). 10 submissions from 10 submitters: Uncertain significance (1); Benign (1); Likely benign (7). 1 of the submissions does not count toward it. Last evaluated 2026-01-07.

Conditions:
POLE-related disorder. Also called: POLE-related disorders; POLE-related condition.
Colorectal cancer, susceptibility to, 12 (CRCS12). Also called: COLORECTAL CANCER, SUSCEPTIBILITY TO, ON CHROMOSOME 12q24. Identifiers: Orphanet 220460, MedGen C3554460, MONDO:0014038, OMIM 615083.
Hereditary cancer-predisposing syndrome. Also called: Hereditary neoplastic syndrome; Tumor predisposition; Neoplastic Syndromes, Hereditary; Hereditary Cancer Syndrome. Identifiers: Orphanet 140162, MedGen C0027672, MeSH D009386, MONDO:0015356.

Allele frequency attached by ClinVar (database versions not stated): gnomAD exomes 0.00001 and 0.00006; ExAC 0.00002; TOPMed 0.00002.
gnomAD v4.1: 90 of 1,613,854 alleles (0.0056%); highest among the groups gnomAD compares: Non-Finnish European, 0.0072%; no homozygotes.

Submissions (10):

Labcorp Genetics (formerly Invitae), Labcorp
Classification: Likely benign. Last evaluated: 2026-01-07. Review status: criteria provided, single submitter. Criteria: Invitae Variant Classification Sherloc (09022015). Collection method: clinical testing. Allele origin: germline.

Center for Genomic Medicine, Rigshospitalet, Copenhagen University Hospital
Classification: Likely benign. Last evaluated: 2025-12-29. Review status: criteria provided, single submitter. Criteria: ACMG Guidelines, 2015. Collection method: clinical testing. Allele origin: germline.

Myriad Genetics, Inc.
Classification: Benign for Colorectal cancer, susceptibility to, 12. Last evaluated: 2025-02-10. Review status: criteria provided, single submitter. Criteria: Myriad Autosomal Dominant, Autosomal Recessive and X-Linked Classification Criteria (2023). Collection method: clinical testing. Allele origin: unknown.
Comment: This variant is considered benign. This variant is a silent/synonymous amino acid change and it is not expected to impact splicing.

Quest Diagnostics Nichols Institute San Juan Capistrano
Classification: Likely benign. Last evaluated: 2025-02-04. Review status: criteria provided, single submitter. Criteria: Quest Diagnostics criteria. Collection method: clinical testing. Allele origin: unknown.

Ambry Genetics
Classification: Likely benign for Hereditary cancer-predisposing syndrome. Last evaluated: 2025-01-16. Review status: criteria provided, single submitter. Criteria: Ambry Variant Classification Scheme 2023. Collection method: clinical testing. Allele origin: germline.

Blueprint Genetics
Classification: Likely benign. Last evaluated: 2024-03-22. Review status: criteria provided, single submitter. Criteria: ACMG Guidelines, 2015. Collection method: clinical testing. Allele origin: germline.

CeGaT Center for Human Genetics Tuebingen
Classification: Likely benign. Last evaluated: 2023-07-01. Review status: criteria provided, single submitter. Criteria: CeGaT Center For Human Genetics Tuebingen Variant Classification Criteria Version 2. Collection method: clinical testing. Allele origin: germline. Affected: yes. Observed: 1 variant allele.
Comment: POLE: BP4, BP7

Sema4
Classification: Likely benign for Hereditary cancer-predisposing syndrome. Last evaluated: 2020-10-16. Review status: criteria provided, single submitter. Criteria: Sema4 Curation Guidelines. Collection method: curation. Allele origin: germline.

GeneDx
Classification: Uncertain significance. Last evaluated: 2019-01-08. Review status: criteria provided, single submitter. Criteria: GeneDx Variant Classification Process June 2021. Collection method: clinical testing. Allele origin: germline. Affected: yes.
Comment: Not observed at a significant frequency in large population cohorts (Lek et al., 2016; McVean et al., 2012; Exome Variant Server); In-silico analysis, which includes splice predictors and evolutionary conservation, is inconclusive as to whether the variant alters gene splicing. In the absence of RNA/functional studies, the actual effect of this sequence change is unknown; Has not been previously published as pathogenic or benign to our knowledge; This variant is associated with the following publications: (PMID: 27149842)

PreventionGenetics, part of Exact Sciences
Classification: Likely benign for POLE-related condition. Last evaluated: 2020-02-10. Review status: no assertion criteria provided. Collection method: clinical testing. Allele origin: germline. Not counted in ClinVar's aggregate classification.
Comment: This variant is classified as likely benign based on ACMG/AMP sequence variant interpretation guidelines (Richards et al. 2015 PMID: 25741868, with internal and published modifications).

NM_006231.4(POLE):c.1308C>T (p.Pro436=)

Gene: POLE (DNA polymerase epsilon, catalytic subunit; minus strand). Cytogenetic location: 12q24.33.
Variant type: single nucleotide variant.
Coding change: c.1308C>T on transcript NM_006231.4 (MANE Select); coding-DNA position 1308, C replaced by T.
Protein change: p.Pro436=; no amino-acid change (proline 436 retained).
Molecular consequence: synonymous variant.
Genome position (GRCh38, 1-based): chr12:132,673,626, G>A on the plus strand (C>T on the coding strand, the complement: POLE is on the minus strand). VCF-style: chr12-132673626-G-A. GRCh37 (hg19) VCF-style: chr12-133250212-G-A.
Identifiers: ClinVar variation 473449 (VCV000473449.50), dbSNP rs755627156, ClinGen allele CA6894011.